The following is an entry in ClinVar:

ClinVar aggregate classification (germline): Uncertain significance (1 of 4 stars; one submission).

Conditions:
Arrhythmogenic right ventricular dysplasia 13. Also called: ARRHYTHMOGENIC RIGHT VENTRICULAR CARDIOMYOPATHY 13; Arrhythmogenic right ventricular dysplasia, familial, 13. Identifiers: MedGen C3810138, MONDO:0000908, OMIM 615616.

Submission:

Labcorp Genetics (formerly Invitae), Labcorp
Classification: Uncertain significance for Arrhythmogenic right ventricular dysplasia 13. Last evaluated: 2025-07-01. Review status: criteria provided, single submitter. Criteria: Invitae Variant Classification Sherloc (09022015). Collection method: clinical testing. Allele origin: germline.
Comment: This sequence change replaces proline, which is neutral and non-polar, with alanine, which is neutral and non-polar, at codon 112 of the CTNNA3 protein (p.Pro112Ala). This variant is not present in population databases (gnomAD no frequency). This variant has not been reported in the literature in individuals affected with CTNNA3-related conditions. Invitae Evidence Modeling of protein sequence and biophysical properties (such as structural, functional, and spatial information, amino acid conservation, physicochemical variation, residue mobility, and thermodynamic stability) has been performed for this missense variant. However, the output from this modeling did not meet the statistical confidence thresholds required to predict the impact of this variant on CTNNA3 protein function. In summary, the available evidence is currently insufficient to determine the role of this variant in disease. Therefore, it has been classified as a Variant of Uncertain Significance.

NM_013266.4(CTNNA3):c.334C>G (p.Pro112Ala)

Gene: CTNNA3 (catenin alpha 3; minus strand). Cytogenetic location: 10q21.3.
Variant type: single nucleotide variant.
Coding change: c.334C>G on transcript NM_013266.4 (MANE Select); coding-DNA position 334, C replaced by G.
Protein change: p.Pro112Ala; replaces proline 112 with alanine.
Molecular consequence: missense variant.
Genome position (GRCh38, 1-based): chr10:67,539,628, G>C on the plus strand (C>G on the coding strand, the complement: CTNNA3 is on the minus strand). VCF-style: chr10-67539628-G-C. GRCh37 (hg19) VCF-style: chr10-69299386-G-C.
Other names: c.334C>G, p.Pro112Ala (NM_001127384.3); c.370C>G, p.Pro124Ala (NM_001291133.2); short protein forms P112A, P124A.
Identifiers: ClinVar variation 4742644 (VCV004742644.1).